The following is an entry in ClinVar:

NM_001242957.3(MAK):c.1249G>T (p.Ala417Ser)

Gene: MAK (male germ cell associated kinase; minus strand). Cytogenetic location: 6p24.2.
Variant type: single nucleotide variant.
Coding change: c.1249G>T on transcript NM_001242957.3 (MANE Select); coding-DNA position 1249, G replaced by T.
Protein change: p.Ala417Ser; replaces alanine 417 with serine.
Molecular consequence: missense variant. On other transcripts: non-coding transcript variant (2).
Genome position (GRCh38, 1-based): chr6:10,791,742, C>A on the plus strand (G>T on the coding strand, the complement: MAK is on the minus strand). VCF-style: chr6-10791742-C-A. GRCh37 (hg19) VCF-style: chr6-10791975-C-A.
Other names: c.1249G>T, p.Ala417Ser (NM_001242385.2, NM_005906.6); c.1147G>T, p.Ala383Ser (NM_001377262.1); short protein forms A383S, A417S.
Identifiers: ClinVar variation 3621100 (VCV003621100.2).

ClinVar aggregate classification (germline): Uncertain significance (1 of 4 stars; one submission).

gnomAD v4.1: 21 of 1,613,960 alleles (0.0013%); highest among the groups gnomAD compares: Middle Eastern, 0.049%; no homozygotes.

Submission:

Labcorp Genetics (formerly Invitae), Labcorp
Classification: Uncertain significance. Last evaluated: 2025-04-08. Review status: criteria provided, single submitter. Criteria: Invitae Variant Classification Sherloc (09022015). Collection method: clinical testing. Allele origin: germline.
Comment: This sequence change replaces alanine, which is neutral and non-polar, with serine, which is neutral and polar, at codon 417 of the MAK protein (p.Ala417Ser). This variant is present in population databases (rs748539209, gnomAD 0.01%). This variant has not been reported in the literature in individuals affected with MAK-related conditions. ClinVar contains an entry for this variant (Variation ID: 3621100). Invitae Evidence Modeling of protein sequence and biophysical properties (such as structural, functional, and spatial information, amino acid conservation, physicochemical variation, residue mobility, and thermodynamic stability) indicates that this missense variant is not expected to disrupt MAK protein function with a negative predictive value of 80%. In summary, the available evidence is currently insufficient to determine the role of this variant in disease. Therefore, it has been classified as a Variant of Uncertain Significance.